The following is an entry in ClinVar:

ClinVar aggregate classification (germline): Uncertain significance (1 of 4 stars; one submission).

Conditions:
Ehlers-Danlos syndrome, classic type, 1 (EDSCL1). Also called: EHLERS-DANLOS SYNDROME, GRAVIS TYPE; EHLERS-DANLOS SYNDROME, SEVERE CLASSIC TYPE; Ehlers-Danlos syndrome, type 1; Ehlers-Danlos Syndrome, Classic Type, COL5A1-Related; EDS I. Identifiers: MedGen C0268335, MONDO:0019567, OMIM 130000.

gnomAD v4.1: 8 of 1,614,078 alleles (0.0005%); highest among the groups gnomAD compares: Non-Finnish European, 0.00068%; no homozygotes.

Submission:

Labcorp Genetics (formerly Invitae), Labcorp
Classification: Uncertain significance for Ehlers-Danlos syndrome, classic type, 1. Last evaluated: 2024-03-10. Review status: criteria provided, single submitter. Criteria: Invitae Variant Classification Sherloc (09022015). Collection method: clinical testing. Allele origin: germline.
Comment: This sequence change replaces alanine, which is neutral and non-polar, with serine, which is neutral and polar, at codon 787 of the COL5A2 protein (p.Ala787Ser). This variant is not present in population databases (gnomAD no frequency). This variant has not been reported in the literature in individuals affected with COL5A2-related conditions. Advanced modeling of protein sequence and biophysical properties (such as structural, functional, and spatial information, amino acid conservation, physicochemical variation, residue mobility, and thermodynamic stability) performed at Invitae indicates that this missense variant is not expected to disrupt COL5A2 protein function with a negative predictive value of 80%. In summary, the available evidence is currently insufficient to determine the role of this variant in disease. Therefore, it has been classified as a Variant of Uncertain Significance.

NM_000393.5(COL5A2):c.2359G>T (p.Ala787Ser)

Gene: COL5A2 (collagen type V alpha 2 chain; minus strand). Cytogenetic location: 2q32.2.
Variant type: single nucleotide variant.
Coding change: c.2359G>T on transcript NM_000393.5 (MANE Select); coding-DNA position 2359, G replaced by T.
Protein change: p.Ala787Ser; replaces alanine 787 with serine.
Molecular consequence: missense variant.
Genome position (GRCh38, 1-based): chr2:189,057,005, C>A on the plus strand (G>T on the coding strand, the complement: COL5A2 is on the minus strand). VCF-style: chr2-189057005-C-A. GRCh37 (hg19) VCF-style: chr2-189921731-C-A.
Other names: short protein forms A787S.
Identifiers: ClinVar variation 3702557 (VCV003702557.2).